The following is an entry in ClinVar:

NM_007294.4(BRCA1):c.4452_4455del (p.Thr1485fs)

Gene: BRCA1 (BRCA1 DNA repair associated; minus strand). Cytogenetic location: 17q21.31.
Variant type: Deletion.
Coding change: c.4452_4455del on transcript NM_007294.4 (MANE Select); coding-DNA positions 4452 to 4455, 4 bases deleted (TACC; older notation c.4452_4455delTACC).
Protein change: p.Thr1485fs; shifts the reading frame from threonine 1485.
Molecular consequence: frameshift variant. On other transcripts: non-coding transcript variant (1).
Genome position (GRCh38, 1-based): chr17:43,076,517-43,076,520, GGTA deleted on the plus strand (TACC on the coding strand, the reverse complement: BRCA1 is on the minus strand); deleting any 4 consecutive bases within chr17:43,076,517-43,076,521 gives the same sequence; the c. name uses the placement nearest the transcript's 3' end. VCF-style (leftmost placement, unchanged base first): chr17-43076516-TGGTA-T. GRCh37 (hg19) VCF-style: chr17-41228533-TGGTA-T.
Other names: c.4452_4455delTACC (NM_007294.3); c.4370_4373delCTAC, p.Thr1458Valfs (NM_001407656.1, NM_001407657.1, NM_001407658.1); c.4367_4370delCTAC, p.Thr1457Valfs (NM_001407659.1, NM_001407660.1, NM_001407661.1 and 2 more transcripts); c.4328_4331delCTAC, p.Thr1444Valfs (NM_001407664.1, NM_001407665.1, NM_001407666.1 and 6 more transcripts); c.4325_4328delCTAC, p.Thr1443Valfs (NM_001407670.1, NM_001407671.1, NM_001407672.1 and 11 more transcripts); c.4322_4325delCTAC, p.Thr1442Valfs (NM_001407681.1, NM_001407682.1, NM_001407683.1 and 6 more transcripts); c.4451_4454delCTAC, p.Thr1485Valfs (NM_001407684.1, NM_001407854.1, NM_001407593.1 and 8 more transcripts); c.4319_4322delCTAC, p.Thr1441Valfs (NM_001407690.1, NM_001407691.1); and 72 more; short protein forms T1438fs, T1485fs, T1506fs, T381fs.
Identifiers: ClinVar variation 55202 (VCV000055202.3), dbSNP rs397509178, ClinGen allele CA002856.
Genomic context (GRCh38, chr17:43,076,516, plus strand): 5'-TACCACAGCATCTTTACATTGATGTTTCTTACCTTTCCACTCCTGGTTCTTTATTTTTAC[TGGTA>T]GAACTATCTGCAGACACCTCAAACTTGTCAGCAGAAAGGCCTTCTGGATTCTGGCTTATA-3'

ClinVar aggregate classification (germline): Pathogenic. Review status: reviewed by expert panel (3 of 4 stars). 2 submissions from 2 submitters: Pathogenic (1). 1 of the submissions does not count toward it. Last evaluated 2017-12-15.

Conditions:
Familial cancer of breast. Also called: hereditary breast carcinoma; BREAST CANCER, FAMILIAL; Hereditary breast cancer. Identifiers: Orphanet 227535, MedGen C0346153, MONDO:0016419, OMIM 114480. Disease mechanism: loss of function.
Breast-ovarian cancer, familial, susceptibility to, 1 (BROVCA1). Also called: BRCA1 Hereditary Breast and Ovarian Cancer; OVARIAN CANCER, SUSCEPTIBILITY TO. Identifiers: Orphanet 145, MedGen C2676676, MONDO:0011450, OMIM 604370. Disease mechanism: loss of function.

Submissions (2):

Evidence-based Network for the Interpretation of Germline Mutant Alleles (ENIGMA)
Classification: Pathogenic for Breast-ovarian cancer, familial, susceptibility to, 1. Last evaluated: 2017-12-15. Review status: reviewed by expert panel. Criteria: ENIGMA BRCA1/2 Classification Criteria (2017-06-29). Collection method: curation. Allele origin: germline. Study: ENIGMA.
Comment: Variant allele predicted to encode a truncated non-functional protein.

ClinVar Staff, National Center for Biotechnology Information (NCBI)
No classification provided. Condition: Familial cancer of breast. Review status: no classification provided. Collection method: literature only. Allele origin: germline. Affected: yes. Not counted in ClinVar's aggregate classification.

Literature cited by the submitters: PubMed 20858050 (cited by ClinVar Staff, National Center for Biotechnology Information (NCBI)).